The following is an entry in ClinVar:

ClinVar aggregate classification (germline): Uncertain significance (1 of 4 stars; one submission).

Conditions:
Hajdu-Cheney syndrome (HJCYS). Also called: ACROOSTEOLYSIS WITH OSTEOPOROSIS AND CHANGES IN SKULL AND MANDIBLE; SERPENTINE FIBULA-POLYCYSTIC KIDNEY SYNDROME; Acroosteolysis dominant type. Identifiers: Orphanet 955, MedGen C0917715, MONDO:0007057, OMIM 102500.

Allele frequency attached by ClinVar (database versions not stated): gnomAD exomes below 0.00001; TOPMed 0.00001; ExAC 0.00002.
gnomAD v4.1: 2 of 1,614,110 alleles (0.00012%); highest among the groups gnomAD compares: Admixed American, 0.0017%; no homozygotes.

Submission:

Labcorp Genetics (formerly Invitae), Labcorp
Classification: Uncertain significance for Hajdu-Cheney syndrome. Last evaluated: 2023-12-22. Review status: criteria provided, single submitter. Criteria: Invitae Variant Classification Sherloc (09022015). Collection method: clinical testing. Allele origin: germline.
Comment: This sequence change replaces serine, which is neutral and polar, with glycine, which is neutral and non-polar, at codon 336 of the NOTCH2 protein (p.Ser336Gly). This variant is present in population databases (rs782081694, gnomAD 0.003%). This variant has not been reported in the literature in individuals affected with NOTCH2-related conditions. Advanced modeling of protein sequence and biophysical properties (such as structural, functional, and spatial information, amino acid conservation, physicochemical variation, residue mobility, and thermodynamic stability) performed at Invitae indicates that this missense variant is not expected to disrupt NOTCH2 protein function with a negative predictive value of 95%. In summary, the available evidence is currently insufficient to determine the role of this variant in disease. Therefore, it has been classified as a Variant of Uncertain Significance.

NM_024408.4(NOTCH2):c.1006A>G (p.Ser336Gly)

Gene: NOTCH2 (notch receptor 2; minus strand). Cytogenetic location: 1p12.
Variant type: single nucleotide variant.
Coding change: c.1006A>G on transcript NM_024408.4 (MANE Select); coding-DNA position 1006, A replaced by G.
Protein change: p.Ser336Gly; replaces serine 336 with glycine.
Molecular consequence: missense variant.
Genome position (GRCh38, 1-based): chr1:119,969,613, T>C on the plus strand (A>G on the coding strand, the complement: NOTCH2 is on the minus strand). VCF-style: chr1-119969613-T-C. GRCh37 (hg19) VCF-style: chr1-120512236-T-C.
Other names: c.1006A>G, p.Ser336Gly (NM_001200001.2); short protein forms S336G.
Identifiers: ClinVar variation 2797884 (VCV002797884.3), dbSNP rs782081694, ClinGen allele CA1040634.